The following is an entry in ClinVar:

ClinVar aggregate classification (germline): Uncertain significance (1 of 4 stars; one submission).

Conditions:
Dilated cardiomyopathy 1G (CMD1G). Identifiers: Orphanet 154, MedGen C1858763, MONDO:0011400, OMIM 604145.
Autosomal recessive limb-girdle muscular dystrophy type 2J (LGMDR10). Also called: Limb-girdle muscular dystrophy, type 2J; MUSCULAR DYSTROPHY, LIMB-GIRDLE, AUTOSOMAL RECESSIVE 10. Identifiers: Orphanet 140922, MedGen C1837342, MONDO:0012127, OMIM 608807.

gnomAD v4.1: 3 of 1,612,980 alleles (0.00019%); highest among the groups gnomAD compares: East Asian, 0.0067%; no homozygotes.

Submission:

Labcorp Genetics (formerly Invitae), Labcorp
Classification: Uncertain significance for Dilated cardiomyopathy 1G; Autosomal recessive limb-girdle muscular dystrophy type 2J. Last evaluated: 2018-04-15. Review status: criteria provided, single submitter. Criteria: Invitae Variant Classification Sherloc (09022015). Collection method: clinical testing. Allele origin: germline.
Comment: This variant identified in the TTN gene is located in the A band of the resulting protein (PMID: 25589632). Algorithms developed to predict the effect of missense changes on protein structure and function are unavailable for the TTN gene. In summary, the available evidence is currently insufficient to determine the role of this variant in disease. Therefore, it has been classified as a Variant of Uncertain Significance. Algorithms developed to predict the effect of sequence changes on RNA splicing suggest that this variant may create or strengthen a splice site, but this prediction has not been confirmed by published transcriptional studies. This variant has not been reported in the literature in individuals with TTN-related disease. This variant is not present in population databases (ExAC no frequency). This sequence change replaces glycine with serine at codon 21115 of the TTN protein (p.Gly21115Ser). There is a small physicochemical difference between glycine and serine.

Literature cited by the submitters: PubMed 25589632.

NM_001267550.2(TTN):c.63343G>A (p.Gly21115Ser)

Genes: TTN-AS1 (TTN antisense RNA 1; plus strand), TTN (titin; minus strand). Cytogenetic location: 2q31.2.
Variant type: single nucleotide variant.
Coding change: c.63343G>A on transcript NM_001267550.2 (MANE Select); coding-DNA position 63343, G replaced by A.
Protein change: p.Gly21115Ser; replaces glycine 21115 with serine.
Molecular consequence: missense variant.
Genome position (GRCh38, 1-based): chr2:178,588,064, C>T on the plus strand (G>A on the coding strand, the complement: TTN is on the minus strand). VCF-style: chr2-178588064-C-T. GRCh37 (hg19) VCF-style: chr2-179452791-C-T.
Other names: c.58420G>A, p.Gly19474Ser (NM_001256850.1); c.36148G>A, p.Gly12050Ser (NM_003319.4); c.55639G>A, p.Gly18547Ser (NM_133378.4); c.36523G>A, p.Gly12175Ser (NM_133432.3); c.36724G>A, p.Gly12242Ser (NM_133437.4); short protein forms G21115S, G12175S, G12242S, G18547S, G19474S, G12050S.
Identifiers: ClinVar variation 572346 (VCV000572346.7), dbSNP rs1559556478, ClinGen allele CA349453588.